The following is an entry in ClinVar:

NM_015627.3(LDLRAP1):c.253C>G (p.Leu85Val)

Gene: LDLRAP1 (low density lipoprotein receptor adaptor protein 1; plus strand). Cytogenetic location: 1p36.11.
Variant type: single nucleotide variant.
Coding change: c.253C>G on transcript NM_015627.3 (MANE Select); coding-DNA position 253, C replaced by G.
Protein change: p.Leu85Val; replaces leucine 85 with valine.
Molecular consequence: missense variant.
Genome position (GRCh38, 1-based): chr1:25,554,881, C>G. VCF-style: chr1-25554881-C-G. GRCh37 (hg19) VCF-style: chr1-25881372-C-G.
Other names: short protein forms L85V.
Identifiers: ClinVar variation 2888476 (VCV002888476.4), dbSNP rs965136779, ClinGen allele CA19674638.
Genomic context (GRCh38, chr1:25,554,881, plus strand): 5'-GAGGCTGGCAGACTCCTCTGACTCCTGTCTGCTCCCAAGGCTAAGGCCAGTGGGAAGAAG[C>G]TGCAGAAGGTGACTCTGAAGGTGTCGCCACGGGGAATTATCCTGACAGACAACCTCACCA-3'
Protein context (NP_056442.2, residues 75-95): VATAKASGKK[Leu85Val]QKVTLKVSPR

ClinVar aggregate classification (germline): Uncertain significance. Review status: criteria provided, multiple submitters, no conflicts (2 of 4 stars). 3 submissions from 3 submitters: Uncertain significance (3). Last evaluated 2026-05-14.

Conditions:
Familial hypercholesterolemia. Also called: Familial hypercholesterolemias; Familial hypercholesterolaemia. Identifiers: MedGen C0020445, MONDO:0005439.
Cardiovascular phenotype. Identifiers: MedGen CN230736.
Hypercholesterolemia, familial, 4 (FHCL4). Also called: HYPERCHOLESTEROLEMIA, AUTOSOMAL RECESSIVE, 1; HYPERCHOLESTEROLEMIA, AUTOSOMAL RECESSIVE, 2. Identifiers: Orphanet 391665, MedGen C1863512, MONDO:0011374, OMIM 603813.

Allele frequency attached by ClinVar (database versions not stated): TOPMed 0.00001; gnomAD 0.00002.
gnomAD v4.1: 10 of 1,614,044 alleles (0.00062%); highest among the groups gnomAD compares: Non-Finnish European, 0.00085%; no homozygotes.

Submissions (3):

Cambridge Genomics Laboratory, East Genomic Laboratory Hub, NHS Genomic Medicine Service
Classification: Uncertain significance for Familial hypercholesterolaemia. Last evaluated: 2026-05-14. Review status: criteria provided, single submitter. Criteria: ACGS Best Practice Guidelines for Variant Classification in Rare Disease 2020. Collection method: clinical testing. Allele origin: germline. Affected: yes.
Comment: PM2,PP4,BP4

Ambry Genetics
Classification: Uncertain significance for Cardiovascular phenotype. Last evaluated: 2024-10-08. Review status: criteria provided, single submitter. Criteria: Ambry Variant Classification Scheme 2023. Collection method: clinical testing. Allele origin: germline.
Comment: The p.L85V variant (also known as c.253C>G), located in coding exon 3 of the LDLRAP1 gene, results from a C to G substitution at nucleotide position 253. The leucine at codon 85 is replaced by valine, an amino acid with highly similar properties. This amino acid position is conserved. In addition, this alteration is predicted to be tolerated by in silico analysis. Based on the available evidence, the clinical significance of this variant remains unclear.

Labcorp Genetics (formerly Invitae), Labcorp
Classification: Uncertain significance for Hypercholesterolemia, familial, 4. Last evaluated: 2023-08-10. Review status: criteria provided, single submitter. Criteria: Invitae Variant Classification Sherloc (09022015). Collection method: clinical testing. Allele origin: germline.
Comment: In summary, the available evidence is currently insufficient to determine the role of this variant in disease. Therefore, it has been classified as a Variant of Uncertain Significance. Advanced modeling of protein sequence and biophysical properties (such as structural, functional, and spatial information, amino acid conservation, physicochemical variation, residue mobility, and thermodynamic stability) performed at Invitae indicates that this missense variant is not expected to disrupt LDLRAP1 protein function. This variant has not been reported in the literature in individuals affected with LDLRAP1-related conditions. This variant is present in population databases (no rsID available, gnomAD 0.0009%). This sequence change replaces leucine, which is neutral and non-polar, with valine, which is neutral and non-polar, at codon 85 of the LDLRAP1 protein (p.Leu85Val).